The following is an entry in ClinVar:

ClinVar aggregate classification (germline): Uncertain significance (1 of 4 stars; one submission).

Conditions:
Chédiak-Higashi syndrome (CHS). Also called: Chediak-Higashi Syndrome. Identifiers: Orphanet 167, MedGen C0007965, MONDO:0008963, OMIM 214500.

Allele frequency attached by ClinVar (database versions not stated): gnomAD exomes 0.00001.
gnomAD v4.1: 12 of 1,598,002 alleles (0.00075%); highest among the groups gnomAD compares: Non-Finnish European, 0.001%; no homozygotes.

Submission:

Labcorp Genetics (formerly Invitae), Labcorp
Classification: Uncertain significance for Chédiak-Higashi syndrome. Last evaluated: 2022-04-07. Review status: criteria provided, single submitter. Criteria: Invitae Variant Classification Sherloc (09022015). Collection method: clinical testing. Allele origin: germline.
Comment: This sequence change replaces tyrosine, which is neutral and polar, with cysteine, which is neutral and slightly polar, at codon 1976 of the LYST protein (p.Tyr1976Cys). This variant is not present in population databases (gnomAD no frequency). This variant has not been reported in the literature in individuals affected with LYST-related conditions. ClinVar contains an entry for this variant (Variation ID: 1019388). Algorithms developed to predict the effect of missense changes on protein structure and function (SIFT, PolyPhen-2, Align-GVGD) all suggest that this variant is likely to be tolerated. In summary, the available evidence is currently insufficient to determine the role of this variant in disease. Therefore, it has been classified as a Variant of Uncertain Significance.

NM_000081.4(LYST):c.5927A>G (p.Tyr1976Cys)

Gene: LYST (lysosomal trafficking regulator; minus strand). Cytogenetic location: 1q42.3.
Variant type: single nucleotide variant.
Coding change: c.5927A>G on transcript NM_000081.4 (MANE Select); coding-DNA position 5927, A replaced by G.
Protein change: p.Tyr1976Cys; replaces tyrosine 1976 with cysteine.
Molecular consequence: missense variant.
Genome position (GRCh38, 1-based): chr1:235,766,273, T>C on the plus strand (A>G on the coding strand, the complement: LYST is on the minus strand). VCF-style: chr1-235766273-T-C. GRCh37 (hg19) VCF-style: chr1-235929573-T-C.
Other names: c.5927A>G, p.Tyr1976Cys (NM_001301365.1); short protein forms Y1976C.
Identifiers: ClinVar variation 1019388 (VCV001019388.6), dbSNP rs2527888199, ClinGen allele CA344948337.
Genomic context (GRCh38, chr1:235,766,273, plus strand): 5'-ATAATTTTCACAAATGATCTACAAACCTCTCGGGGCATGGGTGTGAGTTGCCCCTCTTTG[T>C]ATTCCTGAAAAAATAAAAAAAACTCTCTTTAGATTTAAAGAATTGTCAACTTAACTAAGA-3'
Protein context (NP_000072.2, residues 1966-1986): FLLTCQVLQE[Tyr1976Cys]KEGQLTPMPR